The following is an entry in ClinVar:

NM_001346754.2(PIGW):c.704A>G (p.His235Arg)

Genes: MYO19 (myosin XIX; minus strand), PIGW (phosphatidylinositol glycan anchor biosynthesis class W; plus strand). Cytogenetic location: 17q12.
Variant type: single nucleotide variant.
Coding change: c.704A>G on transcript NM_001346754.2 (MANE Select); coding-DNA position 704, A replaced by G.
Protein change: p.His235Arg; replaces histidine 235 with arginine.
Molecular consequence: missense variant.
Genome position (GRCh38, 1-based): chr17:36,537,805, A>G. VCF-style: chr17-36537805-A-G. GRCh37 (hg19) VCF-style: chr17-34893654-A-G.
Other names: c.704A>G, p.His235Arg (NM_001346755.2, NM_178517.5); short protein forms H235R.
Identifiers: ClinVar variation 1514903 (VCV001514903.5), dbSNP rs1157493972, ClinGen allele CA399163318.

ClinVar aggregate classification (germline): Uncertain significance (1 of 4 stars; one submission).

Conditions:
Hyperphosphatasia with intellectual disability syndrome 5 (GPIBD11). Also called: GLYCOSYLPHOSPHATIDYLINOSITOL BIOSYNTHESIS DEFECT 11. Identifiers: Orphanet 247262, MedGen C4014958, MONDO:0014457, OMIM 616025.

Allele frequency attached by ClinVar (database versions not stated): TOPMed below 0.00001.

Submission:

Labcorp Genetics (formerly Invitae), Labcorp
Classification: Uncertain significance for Hyperphosphatasia with intellectual disability syndrome 5. Last evaluated: 2021-08-20. Review status: criteria provided, single submitter. Criteria: Invitae Variant Classification Sherloc (09022015). Collection method: clinical testing. Allele origin: germline.
Comment: This sequence change replaces histidine with arginine at codon 235 of the PIGW protein (p.His235Arg). The histidine residue is highly conserved and there is a small physicochemical difference between histidine and arginine. This variant is not present in population databases (ExAC no frequency). This variant has not been reported in the literature in individuals affected with PIGW-related conditions. Algorithms developed to predict the effect of missense changes on protein structure and function (SIFT, PolyPhen-2, Align-GVGD) all suggest that this variant is likely to be disruptive. In summary, the available evidence is currently insufficient to determine the role of this variant in disease. Therefore, it has been classified as a Variant of Uncertain Significance.